The following is an entry in ClinVar:

ClinVar aggregate classification (germline): Pathogenic/Likely pathogenic. Review status: criteria provided, multiple submitters, no conflicts (2 of 4 stars). 6 submissions from 6 submitters: Pathogenic (4); Likely pathogenic (2). Last evaluated 2026-08-06.

Conditions:
Inherited MMR deficiency (Lynch syndrome).
Lynch syndrome 4 (LYNCH4). Also called: Hereditary non-polyposis colorectal cancer, type 4; Colorectal cancer, hereditary nonpolyposis, type 4. Identifiers: Orphanet 144, MedGen C1838333, MONDO:0013699, OMIM 614337. Disease mechanism: loss of function.
Hereditary cancer-predisposing syndrome. Also called: Hereditary Cancer Syndrome; Neoplastic Syndromes, Hereditary; Hereditary neoplastic syndrome; Tumor predisposition. Identifiers: Orphanet 140162, MedGen C0027672, MeSH D009386, MONDO:0015356.

Allele frequency attached by ClinVar (database versions not stated): gnomAD exomes below 0.00001.
gnomAD v4.1: 1 of 1,610,776 alleles (0.000062%); highest among the groups gnomAD compares: Non-Finnish European, 0.000085%; no homozygotes.

Submissions (6):

Genetics Laboratory, Great Ormond Street Hospital NHS Foundation Trust, North Thames Genomic Laboratory Hub
Classification: Likely pathogenic for Inherited MMR deficiency (Lynch syndrome). Last evaluated: 2026-08-06. Review status: criteria provided, single submitter. Criteria: CanVIG MMR Gene Specific V1.7. Collection method: clinical testing. Allele origin: germline. Affected: yes.
Comment: PM2_supporting, PVS1_strong, PP4_supporting

Myriad Genetics, Inc.
Classification: Pathogenic for Lynch syndrome 4. Last evaluated: 2025-01-08. Review status: criteria provided, single submitter. Criteria: Myriad Autosomal Dominant, Autosomal Recessive and X-Linked Classification Criteria (2023). Collection method: clinical testing. Allele origin: unknown.
Comment: This variant is considered pathogenic. This variant creates a termination codon and is predicted to result in premature protein truncation.

Victorian Clinical Genetics Services, Murdoch Childrens Research Institute
Classification: Pathogenic for Lynch syndrome 4. Last evaluated: 2022-02-02. Review status: criteria provided, single submitter. Criteria: ACMG Guidelines, 2015. Collection method: clinical testing. Allele origin: germline. Inheritance: Autosomal dominant inheritance. Affected: yes.
Comment: Based on the classification scheme VCGS_Germline_v1.3.4, this variant is classified as Pathogenic. Following criteria are met: 0102 - Loss of function is a known mechanism of disease in this gene and is associated with mismatch repair cancer syndrome 4 (MIM#619101) and colorectal cancer, hereditary nonpolyposis, type 4 (MIM#614337). (I) 0108 - This gene is associated with both recessive and dominant disease. Individuals with biallelic variants have mismatch repair cancer syndrome, whereas heterozygous individuals have cancer susceptibility (OMIM). (I) 0112 - The monoallelic condition associated with this gene has incomplete penetrance (PMID: 25856668). (I) 0204 - Variant is predicted to result in a truncated protein (premature termination codon (PTC) is located within the first 102 nucleotides of the coding sequence and is predicted to escape nonsense-mediated decay). (SP) 0251 - This variant is heterozygous. (I) 0301 - Variant is absent from gnomAD (both v2 and v3). (SP) 0701 - Other variants comparable to the one identified in this case have very strong previous evidence for pathogenicity. PTC variants located within the first 102 nucleotides have been reported many times as pathogenic, and observed in a heterozygous state individual with various forms of cancer (ClinVar, PMID: 25856668). (SP) 0803 - This variant has limited previous evidence of pathogenicity in unrelated individuals. This variant has been reported as pathogenic (ClinVar), and observed in a heterozygous state in an individual with constitutional mismatch repair deficiency syndrome who had an additional variant in the MSH6 gene (PMID: 33247381). (SP) 0905 - No published segregation evidence has been identified for this variant. (I) 1007 - No published functional evidence has been identified for this variant. (I) 1208 - Inheritance information for this variant is not currently available in this individual. (I) Legend: (SP) - Supporting pathogenic, (I) - Information, (SB) - Supporting benign

Color Diagnostics, LLC DBA Color Health
Classification: Pathogenic for Hereditary cancer-predisposing syndrome. Last evaluated: 2020-03-21. Review status: criteria provided, single submitter. Criteria: ACMG Guidelines, 2015. Collection method: clinical testing. Allele origin: germline.
Comment: This variant changes 1 nucleotide in exon 2 of the PMS2 gene, creating a premature translation stop signal. This variant is expected to result in an absent or non-functional protein product. To our knowledge, this variant has not been reported in individuals affected with hereditary cancer in the literature. This variant has not been identified in the general population by the Genome Aggregation Database (gnomAD). Loss of PMS2 function is a known mechanism of disease. Based on the available evidence, this variant is classified as Pathogenic.

Ambry Genetics
Classification: Pathogenic for Hereditary cancer-predisposing syndrome. Last evaluated: 2019-10-22. Review status: criteria provided, single submitter. Criteria: Ambry Variant Classification Scheme 2023. Collection method: clinical testing. Allele origin: germline.
Comment: The p.Q25* pathogenic mutation (also known as c.73C>T), located in coding exon 2 of the PMS2 gene, results from a C to T substitution at nucleotide position 73. This changes the amino acid from a glutamine to a stop codon within coding exon 2. This alteration is expected to result in loss of function by premature protein truncation or nonsense-mediated mRNA decay. As such, this alteration is interpreted as a disease-causing mutation.

Juno Genomics, Hangzhou Juno Genomics, Inc
Classification: Likely pathogenic for Lynch syndrome 4. Review status: criteria provided, single submitter. Criteria: ACMG Guidelines, 2015. Collection method: clinical testing. Allele origin: germline.
Comment: Absent from controls (or at extremely low frequency if recessive) in Genome Aggregation Database.;Null variant in a gene where loss of function (LOF) is a known mechanism of disease.

Literature cited by the submitters: PubMed 25856668 (cited by Victorian Clinical Genetics Services, Murdoch Childrens Research Institute); PubMed 33247381 (cited by Victorian Clinical Genetics Services, Murdoch Childrens Research Institute).

NM_000535.7(PMS2):c.73C>T (p.Gln25Ter)

Gene: PMS2 (PMS1 homolog 2, mismatch repair system component; minus strand). Cytogenetic location: 7p22.1.
Variant type: single nucleotide variant.
Coding change: c.73C>T on transcript NM_000535.7 (MANE Select); coding-DNA position 73, C replaced by T.
Protein change: p.Gln25Ter; replaces glutamine 25 with a stop codon.
Molecular consequence: nonsense. On other transcripts: 5 prime UTR variant (8), non-coding transcript variant (1), intron variant (3).
Genome position (GRCh38, 1-based): chr7:6,005,982, G>A on the plus strand (C>T on the coding strand, the complement: PMS2 is on the minus strand). VCF-style: chr7-6005982-G-A. GRCh37 (hg19) VCF-style: chr7-6045613-G-A.
Other names: c.-333C>T (NM_001322003.2, NM_001322005.2, NM_001322009.2 and 1 more transcripts); c.73C>T, p.Gln25Ter (NM_001322006.2, NM_001322014.2); c.-143C>T (NM_001322007.2); c.-812C>T (NM_001322011.2, NM_001322012.2); c.-412C>T (NM_001322015.2); c.-52-1924C>T (NM_001322008.2); c.-242-1924C>T (NM_001322010.2, NM_001322004.2); short protein forms Q25*.
Identifiers: ClinVar variation 492293 (VCV000492293.11), dbSNP rs1554306528, ClinGen allele CA366745114.
Genomic context (GRCh38, chr7:6,005,982, plus strand): 5'-TTTCTACTAACTCCTTTACCGCAGTGCTTAGACTCAGTACCACCTGCCCAGAGCAAATCT[G>A]ATGGACTGACTTCCGATCAATAGGTTTGATGGCCTTAGCAGGTTCTGTACTAGAGAAATC-3'